The following is an entry in ClinVar:

NM_139343.3(BIN1):c.661G>A (p.Val221Met)

Gene: BIN1 (bridging integrator 1; minus strand). Cytogenetic location: 2q14.3.
Variant type: single nucleotide variant.
Coding change: c.661G>A on transcript NM_139343.3 (MANE Select); coding-DNA position 661, G replaced by A.
Protein change: p.Val221Met; replaces valine 221 with methionine.
Molecular consequence: missense variant.
Genome position (GRCh38, 1-based): chr2:127,063,970, C>T on the plus strand (G>A on the coding strand, the complement: BIN1 is on the minus strand). VCF-style: chr2-127063970-C-T. GRCh37 (hg19) VCF-style: chr2-127821546-C-T.
Other names: c.568G>A, p.Val190Met (NM_001320632.2, NM_001320641.2, NM_004305.4 and 6 more transcripts); c.661G>A, p.Val221Met (NM_001320633.2, NM_001320640.2, NM_139344.3 and 1 more transcripts); c.496G>A, p.Val166Met (NM_001320634.1); c.580G>A, p.Val194Met (NM_001320642.1); short protein forms V166M, V190M, V194M, V221M.
Identifiers: ClinVar variation 1056594 (VCV001056594.10), dbSNP rs573529529, ClinGen allele CA1857394.

ClinVar aggregate classification (germline): Uncertain significance. Review status: criteria provided, multiple submitters, no conflicts (2 of 4 stars). 2 submissions from 2 submitters: Uncertain significance (2). Last evaluated 2023-05-01.

Conditions:
Myopathy, centronuclear, 2 (CNM2). Also called: MYOTUBULAR MYOPATHY, AUTOSOMAL RECESSIVE. Identifiers: Orphanet 169186, MedGen CN031787, MONDO:0009709, OMIM 255200.

Allele frequency attached by ClinVar (database versions not stated): gnomAD 0.00003 and 0.00002; ExAC 0.00008; 1000 Genomes Project 30x 0.00016; 1000 Genomes Project 0.00020; gnomAD exomes 0.00001 and 0.00008; TOPMed 0.00006.
gnomAD v4.1: 20 of 1,613,938 alleles (0.0012%); highest among the groups gnomAD compares: East Asian, 0.042%; no homozygotes.

Submissions (2):

Labcorp Genetics (formerly Invitae), Labcorp
Classification: Uncertain significance for Myopathy, centronuclear, 2. Last evaluated: 2023-05-01. Review status: criteria provided, single submitter. Criteria: Invitae Variant Classification Sherloc (09022015). Collection method: clinical testing. Allele origin: germline.
Comment: In summary, the available evidence is currently insufficient to determine the role of this variant in disease. Therefore, it has been classified as a Variant of Uncertain Significance. Advanced modeling of protein sequence and biophysical properties (such as structural, functional, and spatial information, amino acid conservation, physicochemical variation, residue mobility, and thermodynamic stability) performed at Invitae indicates that this missense variant is not expected to disrupt BIN1 protein function. ClinVar contains an entry for this variant (Variation ID: 1056594). This variant has not been reported in the literature in individuals affected with BIN1-related conditions. This variant is present in population databases (rs573529529, gnomAD 0.09%). This sequence change replaces valine, which is neutral and non-polar, with methionine, which is neutral and non-polar, at codon 221 of the BIN1 protein (p.Val221Met).

GeneDx
Classification: Uncertain significance. Last evaluated: 2022-10-21. Review status: criteria provided, single submitter. Criteria: GeneDx Variant Classification Process June 2021. Collection method: clinical testing. Allele origin: germline. Affected: yes.
Comment: In silico analysis supports that this missense variant does not alter protein structure/function; Has not been previously published as pathogenic or benign to our knowledge